The following is an entry in ClinVar:

NM_145059.3(FCSK):c.94C>T (p.Arg32Trp)

Gene: FCSK (fucose kinase; plus strand). Cytogenetic location: 16q22.1.
Variant type: single nucleotide variant.
Coding change: c.94C>T on transcript NM_145059.3 (MANE Select); coding-DNA position 94, C replaced by T.
Protein change: p.Arg32Trp; replaces arginine 32 with tryptophan.
Molecular consequence: missense variant.
Genome position (GRCh38, 1-based): chr16:70,463,634, C>T. VCF-style: chr16-70463634-C-T. GRCh37 (hg19) VCF-style: chr16-70497537-C-T.
Other names: short protein forms R32W.
Identifiers: ClinVar variation 4024308 (VCV004024308.3).

ClinVar aggregate classification (germline): Uncertain significance. Review status: criteria provided, multiple submitters, no conflicts (2 of 4 stars). 2 submissions from 2 submitters: Uncertain significance (2). Last evaluated 2025-04-30.

Conditions:
Congenital disorder of glycosylation with defective fucosylation 2 (CDGF2). Identifiers: MedGen C5193028, MONDO:0020777, OMIM 618324.

gnomAD v4.1: 8 of 1,613,470 alleles (0.0005%); highest among the groups gnomAD compares: African/African-American, 0.0027%; no homozygotes.

Submissions (2):

Ambry Genetics
Classification: Uncertain significance. Last evaluated: 2025-04-30. Review status: criteria provided, single submitter. Criteria: Ambry Variant Classification Scheme 2023. Collection method: clinical testing. Allele origin: germline.

Victorian Clinical Genetics Services, Murdoch Childrens Research Institute
Classification: Uncertain significance for Congenital disorder of glycosylation with defective fucosylation 2. Last evaluated: 2025-04-13. Review status: criteria provided, single submitter. Criteria: ACMG Guidelines, 2015. Collection method: clinical testing. Allele origin: germline. Affected: yes.
Comment: This variant is classified as VUS-3A. Evidence in support of pathogenic classification: Variant is present in gnomAD <0.01 for a recessive condition (v4: 8 heterozygote(s), 0 homozygote(s)); Missense variant predicted to be damaging by in silico tool(s) or highly conserved with a major amino acid change. Additional information: Variant is predicted to result in a missense amino acid change from arginine to tryptophan; This variant is heterozygous; This gene is associated with autosomal recessive disease; Alternative amino acid change(s) at the same position are present in gnomAD (highest allele count: v4: 84 heterozygote(s), 0 homozygote(s)); This variant has no previous evidence of pathogenicity; No published segregation evidence has been identified for this variant; No published functional evidence has been identified for this variant; No comparable missense variants have previous evidence for pathogenicity; Variant is not located in an established domain, motif, hotspot or informative constraint region; Loss of function is a known mechanism of disease in this gene and is associated with congenital disorder of glycosylation with defective fucosylation 2 (MIM#618324).